The following is an entry in ClinVar:

ClinVar aggregate classification (germline): Pathogenic (1 of 4 stars; one submission).

Submission:

Labcorp Genetics (formerly Invitae), Labcorp
Classification: Pathogenic. Last evaluated: 2022-09-22. Review status: criteria provided, single submitter. Criteria: Invitae Variant Classification Sherloc (09022015). Collection method: clinical testing. Allele origin: germline.
Comment: This sequence change creates a premature translational stop signal (p.Gly411*) in the COL2A1 gene. It is expected to result in an absent or disrupted protein product. Loss-of-function variants in COL2A1 are known to be pathogenic (PMID: 20179744). This variant is not present in population databases (gnomAD no frequency). This variant has not been reported in the literature in individuals affected with COL2A1-related conditions. For these reasons, this variant has been classified as Pathogenic.

Literature cited by the submitters: PubMed 20179744.

NM_001844.5(COL2A1):c.1231G>T (p.Gly411Ter)

Gene: COL2A1 (collagen type II alpha 1 chain; minus strand). Cytogenetic location: 12q13.11.
Variant type: single nucleotide variant.
Coding change: c.1231G>T on transcript NM_001844.5 (MANE Select); coding-DNA position 1231, G replaced by T.
Protein change: p.Gly411Ter; replaces glycine 411 with a stop codon.
Molecular consequence: nonsense.
Genome position (GRCh38, 1-based): chr12:47,987,304, C>A on the plus strand (G>T on the coding strand, the complement: COL2A1 is on the minus strand). VCF-style: chr12-47987304-C-A. GRCh37 (hg19) VCF-style: chr12-48381087-C-A.
Other names: c.1024G>T, p.Gly342Ter (NM_033150.3); short protein forms G411*, G342*.
Identifiers: ClinVar variation 2031750 (VCV002031750.4), dbSNP rs2136577175, ClinGen allele CA384554254.